The following is an entry in ClinVar:

NM_002691.4(POLD1):c.523del (p.Asp175fs)

Gene: POLD1 (DNA polymerase delta 1, catalytic subunit; plus strand). Cytogenetic location: 19q13.33.
Variant type: Deletion.
Coding change: c.523del on transcript NM_002691.4 (MANE Select); coding-DNA position 523, one base deleted (G; older notation c.523delG).
Protein change: p.Asp175fs; shifts the reading frame from aspartic acid 175.
Molecular consequence: frameshift variant. On other transcripts: non-coding transcript variant (1).
Genome position (GRCh38, 1-based): chr19:50,402,058, G deleted; the last of 3 consecutive G bases (chr19:50,402,056-50,402,058); deleting any one gives the same sequence. VCF-style (leftmost placement, unchanged base first): chr19-50402055-CG-C. GRCh37 (hg19) VCF-style: chr19-50905312-CG-C.
Other names: c.523del, p.Asp175fs (NM_001256849.1, NM_001308632.1, NM_001438210.1 and 3 more transcripts); short protein forms D175fs.
Identifiers: ClinVar variation 5026981 (VCV005026981.1).
Genomic context (GRCh38, chr19:50,402,055, plus strand): 5'-CCAGGTTTCGGGCCCGAGCACATGGGTGACCTGCAACGGGAGCTGAACTTGGCCATCAGC[CG>C]GGACAGTCGCGGGGGGAGGGAGCTGACTGGGCCGGCCGTGCTGGCTGTGGAACTGTGCTC-3'

ClinVar aggregate classification (germline): Uncertain significance (1 of 4 stars; one submission).

Conditions:
Hereditary cancer-predisposing syndrome. Also called: Neoplastic Syndromes, Hereditary; Tumor predisposition; Hereditary neoplastic syndrome; Hereditary Cancer Syndrome. Identifiers: Orphanet 140162, MedGen C0027672, MeSH D009386, MONDO:0015356.

Submission:

Ambry Genetics
Classification: Uncertain significance for Hereditary cancer-predisposing syndrome. Last evaluated: 2026-07-10. Review status: criteria provided, single submitter. Criteria: Ambry Variant Classification Scheme 2023. Collection method: clinical testing. Allele origin: germline.
Comment: The c.523delG variant, located in coding exon 4 of the POLD1 gene, results from a deletion of one nucleotide at nucleotide position 523, causing a translational frameshift with a predicted alternate stop codon (p.D175Tfs*8). This variant is expected to result in loss of function by premature protein truncation or nonsense-mediated mRNA decay. However, loss of function has not been established as a mechanism of disease. Based on the available evidence, the clinical significance of this variant remains unclear.